The following is an entry in ClinVar:

NM_001374353.1(GLI2):c.1526C>T (p.Ser509Phe)

Gene: GLI2 (GLI family zinc finger 2; plus strand). Cytogenetic location: 2q14.2.
Variant type: single nucleotide variant.
Coding change: c.1526C>T on transcript NM_001374353.1 (MANE Select); coding-DNA position 1526, C replaced by T.
Protein change: p.Ser509Phe; replaces serine 509 with phenylalanine.
Molecular consequence: missense variant.
Genome position (GRCh38, 1-based): chr2:120,982,774, C>T. VCF-style: chr2-120982774-C-T. GRCh37 (hg19) VCF-style: chr2-121740350-C-T.
Other names: c.1577C>T, p.Ser526Phe (NM_001371271.1, NM_005270.5); c.1151C>T, p.Ser384Phe (NM_001374354.1); short protein forms S384F, S509F, S526F.
Identifiers: ClinVar variation 2635600 (VCV002635600.1), dbSNP rs2467741428, ClinGen allele CA348162129.
Genomic context (GRCh38, chr2:120,982,774, plus strand): 5'-AGTTCGAGGGCTGCTCGAAGGCCTACTCCCGCCTGGAGAACCTGAAGACACACCTGCGGT[C>T]CCACACCGGGGAGAAGCCATATGTGTGTGAGCACGAGGGCTGCAACAAAGCCTTCTCCAA-3'
Protein context (NP_001361282.1, residues 499-519): RLENLKTHLR[Ser509Phe]HTGEKPYVCE

ClinVar aggregate classification (germline): Uncertain significance (1 of 4 stars; one submission).

Conditions:
GLI2-related disorder. Also called: GLI2-related disorders; GLI2-related condition.

Allele frequency attached by ClinVar (database versions not stated): gnomAD exomes below 0.00001.
gnomAD v4.1: 2 of 1,614,022 alleles (0.00012%); highest among the groups gnomAD compares: Non-Finnish European, 0.00017%; no homozygotes.

Submission:

PreventionGenetics, part of Exact Sciences
Classification: Uncertain significance for GLI2-related condition. Last evaluated: 2022-11-23. Review status: criteria provided, single submitter. Criteria: ACMG Guidelines, 2015. Collection method: clinical testing. Allele origin: germline.
Comment: The GLI2 c.1577C>T variant is predicted to result in the amino acid substitution p.Ser526Phe. To our knowledge, this variant has not been reported in the literature or in a large population database, indicating this variant is rare. At this time, the clinical significance of this variant is uncertain due to the absence of conclusive functional and genetic evidence.